The following is an entry in ClinVar:

NM_001292063.2(OTOG):c.2948G>C (p.Arg983Pro)

Gene: OTOG (otogelin; plus strand). Cytogenetic location: 11p15.1.
Variant type: single nucleotide variant.
Coding change: c.2948G>C on transcript NM_001292063.2 (MANE Select); coding-DNA position 2948, G replaced by C.
Protein change: p.Arg983Pro; replaces arginine 983 with proline.
Molecular consequence: missense variant.
Genome position (GRCh38, 1-based): chr11:17,591,530, G>C. VCF-style: chr11-17591530-G-C. GRCh37 (hg19) VCF-style: chr11-17613077-G-C.
Other names: c.2984G>C, p.Arg995Pro (NM_001277269.2); short protein forms R983P, R995P.
Identifiers: ClinVar variation 3364044 (VCV003364044.1).

ClinVar aggregate classification (germline): Uncertain significance (1 of 4 stars; one submission).

gnomAD v4.1: 9 of 1,550,516 alleles (0.00058%); highest among the groups gnomAD compares: Non-Finnish European, 0.0007%; no homozygotes.

Submission:

GeneDx
Classification: Uncertain significance. Last evaluated: 2023-11-13. Review status: criteria provided, single submitter. Criteria: GeneDx Variant Classification Process June 2021. Collection method: clinical testing. Allele origin: germline. Affected: yes.
Comment: Not observed at significant frequency in large population cohorts (gnomAD); In silico analysis supports that this missense variant has a deleterious effect on protein structure/function; Has not been previously published as pathogenic or benign to our knowledge